The following is an entry in ClinVar:

NM_001349253.2(SCN11A):c.2282T>A (p.Val761Glu)

Gene: SCN11A (sodium voltage-gated channel alpha subunit 11; minus strand). Cytogenetic location: 3p22.2.
Variant type: single nucleotide variant.
Coding change: c.2282T>A on transcript NM_001349253.2 (MANE Select); coding-DNA position 2282, T replaced by A.
Protein change: p.Val761Glu; replaces valine 761 with glutamic acid.
Molecular consequence: missense variant.
Genome position (GRCh38, 1-based): chr3:38,896,966, A>T on the plus strand (T>A on the coding strand, the complement: SCN11A is on the minus strand). VCF-style: chr3-38896966-A-T. GRCh37 (hg19) VCF-style: chr3-38938457-A-T.
Other names: c.2282T>A, p.Val761Glu (NM_014139.3); short protein forms V761E.
Identifiers: ClinVar variation 1391930 (VCV001391930.10), dbSNP rs766457059, ClinGen allele CA2322097.

ClinVar aggregate classification (germline): Uncertain significance. Review status: criteria provided, multiple submitters, no conflicts (2 of 4 stars). 2 submissions from 2 submitters: Uncertain significance (2). Last evaluated 2026-06-03.

Conditions:
Inborn genetic diseases. Identifiers: MedGen C0950123, MeSH D030342.
Hereditary sensory and autonomic neuropathy type 7. Also called: Neuropathy, hereditary sensory and autonomic, type VII; HSAN VII. Identifiers: Orphanet 391397, MedGen C3809882, MONDO:0014244, OMIM 615548.
Familial episodic pain syndrome with predominantly lower limb involvement. Also called: Episodic pain syndrome, familial, 3. Identifiers: Orphanet 391384, Orphanet 391392, MedGen C3809899, MONDO:0014247, OMIM 615552.

Allele frequency attached by ClinVar (database versions not stated): ExAC 0.00001; gnomAD exomes below 0.00001.
gnomAD v4.1: 5 of 1,614,042 alleles (0.00031%); highest among the groups gnomAD compares: African/African-American, 0.0067%; no homozygotes.

Submissions (2):

Ambry Genetics
Classification: Uncertain significance for Inborn genetic diseases. Last evaluated: 2026-06-03. Review status: criteria provided, single submitter. Criteria: Ambry Variant Classification Scheme 2023. Collection method: clinical testing. Allele origin: germline.

Labcorp Genetics (formerly Invitae), Labcorp
Classification: Uncertain significance for Familial episodic pain syndrome with predominantly lower limb involvement; Hereditary sensory and autonomic neuropathy type 7. Last evaluated: 2025-12-09. Review status: criteria provided, single submitter. Criteria: Invitae Variant Classification Sherloc (09022015). Collection method: clinical testing. Allele origin: germline.
Comment: This sequence change replaces valine, which is neutral and non-polar, with glutamic acid, which is acidic and polar, at codon 761 of the SCN11A protein (p.Val761Glu). This variant is present in population databases (rs766457059, gnomAD 0.007%). This variant has not been reported in the literature in individuals affected with SCN11A-related conditions. ClinVar contains an entry for this variant (Variation ID: 1391930). Invitae Evidence Modeling of protein sequence and biophysical properties (such as structural, functional, and spatial information, amino acid conservation, physicochemical variation, residue mobility, and thermodynamic stability) indicates that this missense variant is expected to disrupt SCN11A protein function with a positive predictive value of 80%. In summary, the available evidence is currently insufficient to determine the role of this variant in disease. Therefore, it has been classified as a Variant of Uncertain Significance.